The following is an entry in ClinVar:

ClinVar aggregate classification (germline): Uncertain significance (1 of 4 stars; one submission).

Allele frequency attached by ClinVar (database versions not stated): TOPMed below 0.00001; gnomAD exomes 0.00002; ExAC 0.00003; ESP Exome Variant Server 0.00008.
gnomAD v4.1: 11 of 1,613,060 alleles (0.00068%); highest among the groups gnomAD compares: Admixed American, 0.005%; no homozygotes.

Submission:

Labcorp Genetics (formerly Invitae), Labcorp
Classification: Uncertain significance. Last evaluated: 2024-06-03. Review status: criteria provided, single submitter. Criteria: Invitae Variant Classification Sherloc (09022015). Collection method: clinical testing. Allele origin: germline.
Comment: This sequence change replaces alanine, which is neutral and non-polar, with valine, which is neutral and non-polar, at codon 66 of the DCHS1 protein (p.Ala66Val). This variant is present in population databases (rs369723576, gnomAD 0.01%). This variant has not been reported in the literature in individuals affected with DCHS1-related conditions. ClinVar contains an entry for this variant (Variation ID: 1444854). Advanced modeling of protein sequence and biophysical properties (such as structural, functional, and spatial information, amino acid conservation, physicochemical variation, residue mobility, and thermodynamic stability) performed at Invitae indicates that this missense variant is not expected to disrupt DCHS1 protein function with a negative predictive value of 80%. In summary, the available evidence is currently insufficient to determine the role of this variant in disease. Therefore, it has been classified as a Variant of Uncertain Significance.

NM_003737.4(DCHS1):c.197C>T (p.Ala66Val)

Gene: DCHS1 (dachsous cadherin-related 1; minus strand). Cytogenetic location: 11p15.4.
Variant type: single nucleotide variant.
Coding change: c.197C>T on transcript NM_003737.4 (MANE Select); coding-DNA position 197, C replaced by T.
Protein change: p.Ala66Val; replaces alanine 66 with valine.
Molecular consequence: missense variant.
Genome position (GRCh38, 1-based): chr11:6,641,417, G>A on the plus strand (C>T on the coding strand, the complement: DCHS1 is on the minus strand). VCF-style: chr11-6641417-G-A. GRCh37 (hg19) VCF-style: chr11-6662648-G-A.
Other names: short protein forms A66V.
Identifiers: ClinVar variation 1444854 (VCV001444854.8), dbSNP rs369723576, ClinGen allele CA5861200.